The following is an entry in ClinVar:

ClinVar aggregate classification (germline): Uncertain significance (1 of 4 stars; one submission).

Allele frequency attached by ClinVar (database versions not stated): gnomAD exomes 0.00001.

Submission:

Labcorp Genetics (formerly Invitae), Labcorp
Classification: Uncertain significance. Last evaluated: 2023-08-16. Review status: criteria provided, single submitter. Criteria: Invitae Variant Classification Sherloc (09022015). Collection method: clinical testing. Allele origin: germline.
Comment: This sequence change replaces leucine, which is neutral and non-polar, with phenylalanine, which is neutral and non-polar, at codon 163 of the POC5 protein (p.Leu163Phe). In summary, the available evidence is currently insufficient to determine the role of this variant in disease. Therefore, it has been classified as a Variant of Uncertain Significance. An algorithm developed to predict the effect of missense changes on protein structure and function (PolyPhen-2) suggests that this variant is likely to be disruptive. This variant has not been reported in the literature in individuals affected with POC5-related conditions. The frequency data for this variant in the population databases is considered unreliable, as metrics indicate poor data quality at this position in the gnomAD database.

NM_001099271.2(POC5):c.487C>T (p.Leu163Phe)

Gene: POC5 (POC5 centriolar protein; minus strand). Cytogenetic location: 5q13.3.
Variant type: single nucleotide variant.
Coding change: c.487C>T on transcript NM_001099271.2 (MANE Select); coding-DNA position 487, C replaced by T.
Protein change: p.Leu163Phe; replaces leucine 163 with phenylalanine.
Molecular consequence: missense variant.
Genome position (GRCh38, 1-based): chr5:75,702,631, G>A on the plus strand (C>T on the coding strand, the complement: POC5 is on the minus strand). VCF-style: chr5-75702631-G-A. GRCh37 (hg19) VCF-style: chr5-74998456-G-A.
Other names: c.412C>T, p.Leu138Phe (NM_152408.3); short protein forms L138F, L163F.
Identifiers: ClinVar variation 2900509 (VCV002900509.3), dbSNP rs1382764586, ClinGen allele CA360149639.